The following is an entry in ClinVar:

NM_004369.4(COL6A3):c.7029+279G>A

Gene: COL6A3 (collagen type VI alpha 3 chain; minus strand). Cytogenetic location: 2q37.3.
Variant type: single nucleotide variant.
Coding change: c.7029+279G>A on transcript NM_004369.4 (MANE Select); 279 bases into the intron after coding-DNA position 7029, G replaced by A.
Molecular consequence: intron variant.
Genome position (GRCh38, 1-based): chr2:237,347,528, C>T on the plus strand (G>A on the coding strand, the complement: COL6A3 is on the minus strand). VCF-style: chr2-237347528-C-T. GRCh37 (hg19) VCF-style: chr2-238256171-C-T.
Other names: c.5208+279G>A (NM_057166.5); c.6411+279G>A (NM_057167.4).
Identifiers: ClinVar variation 671722 (VCV000671722.1), dbSNP rs2645767, ClinGen allele CA11142073.
Genomic context (GRCh38, chr2:237,347,528, plus strand): 5'-GTCTGGGTGGGCATGGCCCAAAGTGACTGCACAGACTTCCCAGTCACCCATAATGAGATT[C>T]GAGACTGCAGGTGGGTGCTGTGCCTGGAGTGAGCTGGGCTGGCGACCCTGGAGGTGAGTT-3'

ClinVar aggregate classification (germline): Benign (1 of 4 stars; one submission).

Allele frequency attached by ClinVar (database versions not stated): gnomAD 0.17233 and 0.17474; 1000 Genomes Project 0.17991; TOPMed 0.18143; 1000 Genomes Project 30x 0.18598.
gnomAD v4.1: 26,138 of 152,040 alleles (17%); highest among the groups gnomAD compares: African/African-American, 27%; 2,642 homozygotes.

Submission:

GeneDx
Classification: Benign. Last evaluated: 2018-06-19. Review status: criteria provided, single submitter. Criteria: GeneDx Variant Classification (06012015). Collection method: clinical testing. Allele origin: germline. Affected: yes.
Comment: This variant is considered likely benign or benign based on one or more of the following criteria: it is a conservative change, it occurs at a poorly conserved position in the protein, it is predicted to be benign by multiple in silico algorithms, and/or has population frequency not consistent with disease.